The following is an entry in ClinVar:

NM_177965.4(CFAP418):c.470+3A>G

Gene: CFAP418 (cilia and flagella associated protein 418; minus strand). Cytogenetic location: 8q22.1.
Variant type: single nucleotide variant.
Coding change: c.470+3A>G on transcript NM_177965.4 (MANE Select); 3 bases into the intron after coding-DNA position 470, A replaced by G.
Molecular consequence: intron variant.
Genome position (GRCh38, 1-based): chr8:95,252,185, T>C on the plus strand (A>G on the coding strand, the complement: CFAP418 is on the minus strand). VCF-style: chr8-95252185-T-C. GRCh37 (hg19) VCF-style: chr8-96264413-T-C.
Other names: c.375-4415A>G (NM_001363260.1).
Identifiers: ClinVar variation 1021001 (VCV001021001.4), dbSNP rs778295537, ClinGen allele CA4815137.

ClinVar aggregate classification (germline): Uncertain significance (1 of 4 stars; one submission).

Allele frequency attached by ClinVar (database versions not stated): gnomAD exomes below 0.00001 and 0.00001; ExAC 0.00001; gnomAD 0.00002; TOPMed 0.00002.
gnomAD v4.1: 4 of 1,603,638 alleles (0.00025%); highest among the groups gnomAD compares: African/African-American, 0.004%; no homozygotes.

Submission:

Labcorp Genetics (formerly Invitae), Labcorp
Classification: Uncertain significance. Last evaluated: 2022-05-08. Review status: criteria provided, single submitter. Criteria: Invitae Variant Classification Sherloc (09022015). Collection method: clinical testing. Allele origin: germline.
Comment: This sequence change falls in intron 5 of the C8orf37 gene. It does not directly change the encoded amino acid sequence of the C8orf37 protein. It affects a nucleotide within the consensus splice site. This variant is present in population databases (rs778295537, gnomAD 0.01%). This variant has not been reported in the literature in individuals affected with C8orf37-related conditions. ClinVar contains an entry for this variant (Variation ID: 1021001). Variants that disrupt the consensus splice site are a relatively common cause of aberrant splicing (PMID: 17576681, 9536098). Algorithms developed to predict the effect of sequence changes on RNA splicing suggest that this variant may disrupt the consensus splice site. In summary, the available evidence is currently insufficient to determine the role of this variant in disease. Therefore, it has been classified as a Variant of Uncertain Significance.

Literature cited by the submitters: PubMed 17576681; PubMed 9536098.